The following is an entry in ClinVar:

ClinVar aggregate classification (germline): Uncertain significance. Review status: criteria provided, multiple submitters, no conflicts (2 of 4 stars). 2 submissions from 2 submitters: Uncertain significance (2). Last evaluated 2025-06-14.

Conditions:
Hereditary cancer-predisposing syndrome. Also called: Hereditary Cancer Syndrome; Hereditary neoplastic syndrome; Neoplastic Syndromes, Hereditary; Tumor predisposition. Identifiers: Orphanet 140162, MedGen C0027672, MeSH D009386, MONDO:0015356.

Allele frequency attached by ClinVar (database versions not stated): gnomAD exomes below 0.00001.
gnomAD v4.1: 3 of 1,613,164 alleles (0.00019%); highest among the groups gnomAD compares: South Asian, 0.0011%; no homozygotes.

Submissions (2):

Ambry Genetics
Classification: Uncertain significance for Hereditary cancer-predisposing syndrome. Last evaluated: 2025-06-14. Review status: criteria provided, single submitter. Criteria: Ambry Variant Classification Scheme 2023. Collection method: clinical testing. Allele origin: germline.
Comment: The p.H1895R variant (also known as c.5684A>G), located in coding exon 42 of the POLE gene, results from an A to G substitution at nucleotide position 5684. The histidine at codon 1895 is replaced by arginine, an amino acid with highly similar properties. This amino acid position is conserved. In addition, the in silico prediction for this alteration is inconclusive. Since supporting evidence is limited at this time, the clinical significance of this alteration remains unclear.

Labcorp Genetics (formerly Invitae), Labcorp
Classification: Uncertain significance. Last evaluated: 2021-10-19. Review status: criteria provided, single submitter. Criteria: Invitae Variant Classification Sherloc (09022015). Collection method: clinical testing. Allele origin: germline.
Comment: In summary, the available evidence is currently insufficient to determine the role of this variant in disease. Therefore, it has been classified as a Variant of Uncertain Significance. Algorithms developed to predict the effect of missense changes on protein structure and function (SIFT, PolyPhen-2, Align-GVGD) all suggest that this variant is likely to be tolerated. This variant has not been reported in the literature in individuals affected with POLE-related conditions. This variant is not present in population databases (ExAC no frequency). This sequence change replaces histidine with arginine at codon 1895 of the POLE protein (p.His1895Arg). The histidine residue is moderately conserved and there is a small physicochemical difference between histidine and arginine.

NM_006231.4(POLE):c.5684A>G (p.His1895Arg)

Gene: POLE (DNA polymerase epsilon, catalytic subunit; minus strand). Cytogenetic location: 12q24.33.
Variant type: single nucleotide variant.
Coding change: c.5684A>G on transcript NM_006231.4 (MANE Select); coding-DNA position 5684, A replaced by G.
Protein change: p.His1895Arg; replaces histidine 1895 with arginine.
Molecular consequence: missense variant.
Genome position (GRCh38, 1-based): chr12:132,636,019, T>C on the plus strand (A>G on the coding strand, the complement: POLE is on the minus strand). VCF-style: chr12-132636019-T-C. GRCh37 (hg19) VCF-style: chr12-133212605-T-C.
Other names: c.5684A>G (NM_006231.2); short protein forms H1895R.
Identifiers: ClinVar variation 1449475 (VCV001449475.8), dbSNP rs2138487336, ClinGen allele CA387373255.